The following is an entry in ClinVar:

ClinVar aggregate classification (germline): Pathogenic. Review status: criteria provided, multiple submitters, no conflicts (2 of 4 stars). 2 submissions from 2 submitters: Pathogenic (2). Last evaluated 2024-09-20.

Conditions:
Mucopolysaccharidosis, MPS-III-D (MPS3D). Also called: MPS III D; Mucopoly-saccharidosis type 3D; N-acetylglucosamine-6-sulfate sulfatase deficiency; MPS 3D; N-ACETYLGLUCOSAMINE-6-SULFATASE DEFICIENCY; SANFILIPPO SYNDROME D. Identifiers: Orphanet 581, Orphanet 79272, MedGen C0086650, MONDO:0009658, OMIM 252940.

Submissions (2):

Victorian Clinical Genetics Services, Murdoch Childrens Research Institute
Classification: Pathogenic for Mucopolysaccharidosis, MPS-III-D. Last evaluated: 2024-09-20. Review status: criteria provided, single submitter. Criteria: ACMG Guidelines, 2015. Collection method: clinical testing. Allele origin: germline. Inheritance: Autosomal recessive inheritance. Affected: yes.
Comment: Based on the classification scheme VCGS_Germline_v1.3.4, this variant is classified as Pathogenic. Following criteria are met: 0102 - Loss of function is a known mechanism of disease in this gene and is associated with mucopolysaccharidosis type IIID (MIM#252940). (I) 0106 - This gene is associated with autosomal recessive disease. (I) 0115 - Variants in this gene are known to have variable expressivity (PMID: 31536183). (I) 0201 - Variant is predicted to cause nonsense-mediated decay (NMD) and loss of protein (premature termination codon is located at least 54 nucleotides upstream of the final exon-exon junction). (SP) 0251 - This variant is heterozygous. (I) 0301 - Variant is absent from gnomAD (both v2 and v3). (SP) 0701 - Other NMD predicted variants comparable to the one identified in this case have very strong previous evidence for pathogenicity (DECIPHER). (SP) 0803 - This variant has limited previous evidence of pathogenicity in an unrelated individual. This variant has been classified as pathogenic by a clinical laboratory in ClinVar. (SP) 0905 - No published segregation evidence has been identified for this variant. (I) 1007 - No published functional evidence has been identified for this variant. (I) Legend: (SP) - Supporting pathogenic, (I) - Information, (SB) - Supporting benign

Labcorp Genetics (formerly Invitae), Labcorp
Classification: Pathogenic for Mucopolysaccharidosis, MPS-III-D. Last evaluated: 2020-09-24. Review status: criteria provided, single submitter. Criteria: Invitae Variant Classification Sherloc (09022015). Collection method: clinical testing. Allele origin: germline.
Comment: This sequence change creates a premature translational stop signal (p.Gln472*) in the GNS gene. It is expected to result in an absent or disrupted protein product. This variant is not present in population databases (ExAC no frequency). This variant has not been reported in the literature in individuals with GNS-related conditions. Loss-of-function variants in GNS are known to be pathogenic (PMID: 20232353). For these reasons, this variant has been classified as Pathogenic.

Literature cited by the submitters: PubMed 31536183 (cited by Victorian Clinical Genetics Services, Murdoch Childrens Research Institute); PubMed 20232353 (cited by Labcorp Genetics (formerly Invitae), Labcorp).

NM_002076.4(GNS):c.1414C>T (p.Gln472Ter)

Gene: GNS (glucosamine (N-acetyl)-6-sulfatase; minus strand). Cytogenetic location: 12q14.3.
Variant type: single nucleotide variant.
Coding change: c.1414C>T on transcript NM_002076.4 (MANE Select); coding-DNA position 1414, C replaced by T.
Protein change: p.Gln472Ter; replaces glutamine 472 with a stop codon.
Molecular consequence: nonsense.
Genome position (GRCh38, 1-based): chr12:64,721,600, G>A on the plus strand (C>T on the coding strand, the complement: GNS is on the minus strand). VCF-style: chr12-64721600-G-A. GRCh37 (hg19) VCF-style: chr12-65115380-G-A.
Other names: c.1414C>T (NM_002076.3); short protein forms Q472*.
Identifiers: ClinVar variation 1075633 (VCV001075633.7), dbSNP rs2136237257, ClinGen allele CA385601595.